The following is an entry in ClinVar:

NM_000158.4(GBE1):c.1743del (p.Asn581fs)

Gene: GBE1 (1,4-alpha-glucan branching enzyme 1; minus strand). Cytogenetic location: 3p12.2.
Variant type: Deletion.
Coding change: c.1743del on transcript NM_000158.4 (MANE Select); coding-DNA position 1743, one base deleted (T; older notation c.1743delT).
Protein change: p.Asn581fs; shifts the reading frame from asparagine 581.
Molecular consequence: frameshift variant.
Genome position (GRCh38, 1-based): chr3:81,536,971, A deleted on the plus strand (T on the coding strand, the reverse complement: GBE1 is on the minus strand). VCF-style (leftmost placement, unchanged base first): chr3-81536970-TA-T. GRCh37 (hg19) VCF-style: chr3-81586121-TA-T.
Other names: short protein forms N581fs.
Identifiers: ClinVar variation 2039568 (VCV002039568.4), dbSNP rs2471675336, ClinGen allele CA2580070460.

ClinVar aggregate classification (germline): Pathogenic (1 of 4 stars; one submission).

Conditions:
Glycogen storage disease, type IV (GSD4). Also called: GLYCOGENOSIS IV; GSD IV; Glycogen storage disease due to glycogen branching enzyme deficiency; AMYLOPECTINOSIS; ANDERSEN DISEASE; BRANCHER DEFICIENCY. Identifiers: Orphanet 367, MedGen C0017923, MONDO:0009292, OMIM 232500.
Glycogen storage disease IV, classic hepatic. Also called: GSD IV, CLASSIC HEPATIC. Identifiers: MedGen C1856301.

Submission:

Labcorp Genetics (formerly Invitae), Labcorp
Classification: Pathogenic for Glycogen storage disease, type IV; Glycogen storage disease IV, classic hepatic. Last evaluated: 2021-12-11. Review status: criteria provided, single submitter. Criteria: Invitae Variant Classification Sherloc (09022015). Collection method: clinical testing. Allele origin: germline.
Comment: For these reasons, this variant has been classified as Pathogenic. This variant has not been reported in the literature in individuals affected with GBE1-related conditions. This variant is not present in population databases (gnomAD no frequency). This sequence change creates a premature translational stop signal (p.Asn581Lysfs*7) in the GBE1 gene. It is expected to result in an absent or disrupted protein product. Loss-of-function variants in GBE1 are known to be pathogenic (PMID: 15452297, 20058079).

Literature cited by the submitters: PubMed 15452297; PubMed 20058079.